The following is an entry in ClinVar:

NM_173651.4(FSIP2):c.20502T>C (p.His6834=)

Gene: FSIP2 (fibrous sheath interacting protein 2; plus strand). Cytogenetic location: 2q32.1.
Variant type: single nucleotide variant.
Coding change: c.20502T>C on transcript NM_173651.4 (MANE Select); coding-DNA position 20502, T replaced by C.
Protein change: p.His6834=; no amino-acid change (histidine 6834 retained).
Molecular consequence: synonymous variant.
Genome position (GRCh38, 1-based): chr2:185,828,184, T>C. VCF-style: chr2-185828184-T-C. GRCh37 (hg19) VCF-style: chr2-186692911-T-C.
Identifiers: ClinVar variation 3043007 (VCV003043007.2), dbSNP rs147133625, ClinGen allele CA2017923.
Genomic context (GRCh38, chr2:185,828,184, plus strand): 5'-CTATTTTACTTTTTTTTTTTTAATCTCTACAGAAAGTTCTCAGGAACAAAAGCCAGAGCA[T>C]GGAAACAGTGTTAAGGTAAGTATTTTTAACTAGCCTTAGTTGATATATATTAGGAGCTAG-3'
Protein context (NP_775922.3, residues 6824-6844): EESSQEQKPE[His6834=]GNSVKFITIF

ClinVar aggregate classification (germline): Likely benign (0 of 4 stars; one submission).

Conditions:
FSIP2-related disorder. Also called: FSIP2-related condition.

Allele frequency attached by ClinVar (database versions not stated): gnomAD exomes 0.00004; ExAC 0.00012; ESP Exome Variant Server 0.00025; gnomAD 0.00037; TOPMed 0.00048; 1000 Genomes Project 0.00060; 1000 Genomes Project 30x 0.00062.
gnomAD v4.1: 125 of 1,581,124 alleles (0.0079%); highest among the groups gnomAD compares: African/African-American, 0.13%; no homozygotes.

Submission:

PreventionGenetics, part of Exact Sciences
Classification: Likely benign for FSIP2-related condition. Last evaluated: 2019-06-26. Review status: no assertion criteria provided. Collection method: clinical testing. Allele origin: germline.
Comment: This variant is classified as likely benign based on ACMG/AMP sequence variant interpretation guidelines (Richards et al. 2015 PMID: 25741868, with internal and published modifications).